The following is an entry in ClinVar:

ClinVar aggregate classification (germline): Pathogenic (1 of 4 stars; one submission).

Submission:

Labcorp Genetics (formerly Invitae), Labcorp
Classification: Pathogenic. Last evaluated: 2023-04-04. Review status: criteria provided, single submitter. Criteria: Invitae Variant Classification Sherloc (09022015). Collection method: clinical testing. Allele origin: germline.
Comment: This sequence change creates a premature translational stop signal (p.Ser445Leufs*155) in the CLCN7 gene. It is expected to result in an absent or disrupted protein product. Loss-of-function variants in CLCN7 are known to be pathogenic (PMID: 14584882, 19953639). The frequency data for this variant in the population databases is considered unreliable, as metrics indicate poor data quality at this position in the gnomAD database. This variant has not been reported in the literature in individuals affected with CLCN7-related conditions. For these reasons, this variant has been classified as Pathogenic.

Literature cited by the submitters: PubMed 14584882; PubMed 19953639.

NM_001287.6(CLCN7):c.1331dup (p.Ser445fs)

Gene: CLCN7 (chloride voltage-gated channel 7; minus strand). Cytogenetic location: 16p13.3.
Variant type: Duplication.
Coding change: c.1331dup on transcript NM_001287.6 (MANE Select); coding-DNA position 1331, one base duplicated (G; older notation c.1331dupG).
Protein change: p.Ser445fs; shifts the reading frame from serine 445.
Molecular consequence: frameshift variant.
Genome position (GRCh38, 1-based): chr16:1,452,777, C duplicated on the plus strand (G on the coding strand, the reverse complement: CLCN7 is on the minus strand); the first of 6 consecutive C bases (chr16:1,452,777-1,452,782); duplicating any one gives the same sequence. VCF-style (leftmost placement, unchanged base first): chr16-1452776-G-GC. GRCh37 (hg19) VCF-style: chr16-1502777-G-GC.
Other names: c.1259dup, p.Ser421fs (NM_001114331.3); short protein forms S421fs, S445fs.
Identifiers: ClinVar variation 2852015 (VCV002852015.3), dbSNP rs755135552, ClinGen allele CA7810322.